The following is an entry in ClinVar:

ClinVar aggregate classification (germline): Uncertain significance (1 of 4 stars; one submission).

Conditions:
Tuberous sclerosis 2 (TSC2). Identifiers: Orphanet 805, MedGen C1860707, MONDO:0013199, OMIM 613254.

Submission:

Labcorp Genetics (formerly Invitae), Labcorp
Classification: Uncertain significance for Tuberous sclerosis 2. Last evaluated: 2025-07-21. Review status: criteria provided, single submitter. Criteria: Invitae Variant Classification Sherloc (09022015). Collection method: clinical testing. Allele origin: germline.
Comment: This sequence change replaces serine, which is neutral and polar, with glycine, which is neutral and non-polar, at codon 1072 of the TSC2 protein (p.Ser1072Gly). This variant is not present in population databases (gnomAD no frequency). This variant has not been reported in the literature in individuals affected with TSC2-related conditions. ClinVar contains an entry for this variant (Variation ID: 2101785). Invitae Evidence Modeling of protein sequence and biophysical properties (such as structural, functional, and spatial information, amino acid conservation, physicochemical variation, residue mobility, and thermodynamic stability) indicates that this missense variant is not expected to disrupt TSC2 protein function with a negative predictive value of 95%. In summary, the available evidence is currently insufficient to determine the role of this variant in disease. Therefore, it has been classified as a Variant of Uncertain Significance.

NM_000548.5(TSC2):c.3214A>G (p.Ser1072Gly)

Gene: TSC2 (TSC complex subunit 2; plus strand). Cytogenetic location: 16p13.3.
Variant type: single nucleotide variant.
Coding change: c.3214A>G on transcript NM_000548.5 (MANE Select); coding-DNA position 3214, A replaced by G.
Protein change: p.Ser1072Gly; replaces serine 1072 with glycine.
Molecular consequence: missense variant.
Genome position (GRCh38, 1-based): chr16:2,079,358, A>G. VCF-style: chr16-2079358-A-G. GRCh37 (hg19) VCF-style: chr16-2129359-A-G.
Other names: c.2482A>G, p.Ser828Gly (NM_001406688.1, NM_001406687.1, NM_001318831.2); c.2935A>G, p.Ser979Gly (NM_001406679.1); c.2614A>G, p.Ser872Gly (NM_001406680.1, NM_001406682.1, NM_001406683.1); c.2623A>G, p.Ser875Gly (NM_001406681.1); c.2611A>G, p.Ser871Gly (NM_001406684.1); c.2485A>G, p.Ser829Gly (NM_001406685.1, NM_001406686.1); c.3082A>G, p.Ser1028Gly (NM_001077183.3, NM_001370404.1, NM_001406665.1); c.3214A>G, p.Ser1072Gly (NM_001114382.3); and 18 more; short protein forms S1022G, S1023G, S1028G, S1059G, S1071G, S1072G, S581G, S872G.
Identifiers: ClinVar variation 2101785 (VCV002101785.4), dbSNP rs2151439176, ClinGen allele CA394285868.